The following is an entry in ClinVar:

ClinVar aggregate classification (germline): Uncertain significance (1 of 4 stars; one submission).

Submission:

Ambry Genetics
Classification: Uncertain significance. Last evaluated: 2022-02-22. Review status: criteria provided, single submitter. Criteria: Ambry Variant Classification Scheme 2023. Collection method: clinical testing. Allele origin: germline.
Comment: The p.Q1428H variant (also known as c.4284G>C), located in coding exon 4 of the ALPK2 gene, results from a G to C substitution at nucleotide position 4284. The glutamine at codon 1428 is replaced by histidine, an amino acid with highly similar properties. This amino acid position is conserved. In addition, this alteration is predicted to be tolerated by in silico analysis. Since supporting evidence is limited at this time, the clinical significance of this alteration remains unclear.

NM_052947.4(ALPK2):c.4284G>C (p.Gln1428His)

Genes: ALPK2 (alpha kinase 2; minus strand), LOC126862764 (BRD4-independent group 4 enhancer GRCh37_chr18:56202574-56203773; plus strand). Cytogenetic location: 18q21.31.
Variant type: single nucleotide variant.
Coding change: c.4284G>C on transcript NM_052947.4 (MANE Select); coding-DNA position 4284, G replaced by C.
Protein change: p.Gln1428His; replaces glutamine 1428 with histidine.
Molecular consequence: missense variant.
Genome position (GRCh38, 1-based): chr18:58,535,903, C>G on the plus strand (G>C on the coding strand, the complement: ALPK2 is on the minus strand). VCF-style: chr18-58535903-C-G. GRCh37 (hg19) VCF-style: chr18-56203135-C-G.
Other names: short protein forms Q1428H.
Identifiers: ClinVar variation 1739371 (VCV001739371.2), dbSNP rs2518875071, ClinGen allele CA402563351.